The following is an entry in ClinVar:

NM_000036.3(AMPD1):c.910A>G (p.Ile304Val)

Gene: AMPD1 (adenosine monophosphate deaminase 1; minus strand). Cytogenetic location: 1p13.2.
Variant type: single nucleotide variant.
Coding change: c.910A>G on transcript NM_000036.3 (MANE Select); coding-DNA position 910, A replaced by G.
Protein change: p.Ile304Val; replaces isoleucine 304 with valine.
Molecular consequence: missense variant.
Genome position (GRCh38, 1-based): chr1:114,678,515, T>C on the plus strand (A>G on the coding strand, the complement: AMPD1 is on the minus strand). VCF-style: chr1-114678515-T-C. GRCh37 (hg19) VCF-style: chr1-115221136-T-C.
Other names: c.898A>G, p.Ile300Val (NM_001172626.2); short protein forms I304V, I300V.
Identifiers: ClinVar variation 1952756 (VCV001952756.5), dbSNP rs373484604, ClinGen allele CA1020261.
Genomic context (GRCh38, chr1:114,678,515, plus strand): 5'-GGTAAGATTTCTTAATAAAACGCAGCAGATGTTTCTGGTTCATGCAAGCGGCTGCATGGA[T>C]ATGGGTGTCCACCTGTATGTATATTCAAAGAAAGAAAAAAACATCAATCAGCCTTAGTTA-3'
Protein context (NP_000027.3, residues 294-314): FYNCRKVDTH[Ile304Val]HAAACMNQKH

ClinVar aggregate classification (germline): Uncertain significance. Review status: criteria provided, multiple submitters, no conflicts (2 of 4 stars). 2 submissions from 2 submitters: Uncertain significance (2). Last evaluated 2022-06-20.

Conditions:
Inborn genetic diseases. Identifiers: MedGen C0950123, MeSH D030342.
Muscle AMP deaminase deficiency (MMDD). Also called: ADENOSINE MONOPHOSPHATE DEAMINASE-1 DEFICIENCY, MYOPATHY DUE TO; AMPD1 DEFICIENCY; Myoadenylate deaminase deficiency, myopathy due to; Adenosine monophosphate deaminase 1 deficiency; AMP deaminase 1 deficiency; Adenosine Monophosphate Deaminase 1. Identifiers: Orphanet 45, MedGen C3714933, MONDO:0014220, OMIM 615511.

Allele frequency attached by ClinVar (database versions not stated): TOPMed 0.00002; gnomAD exomes 0.00003; ExAC 0.00006; gnomAD 0.00006.
gnomAD v4.1: 55 of 1,613,736 alleles (0.0034%); highest among the groups gnomAD compares: South Asian, 0.058%; no homozygotes.

Submissions (2):

Labcorp Genetics (formerly Invitae), Labcorp
Classification: Uncertain significance for Muscle AMP deaminase deficiency. Last evaluated: 2022-06-20. Review status: criteria provided, single submitter. Criteria: Invitae Variant Classification Sherloc (09022015). Collection method: clinical testing. Allele origin: germline.
Comment: In summary, the available evidence is currently insufficient to determine the role of this variant in disease. Therefore, it has been classified as a Variant of Uncertain Significance. Algorithms developed to predict the effect of missense changes on protein structure and function are either unavailable or do not agree on the potential impact of this missense change (SIFT: "Tolerated"; PolyPhen-2: "Possibly Damaging"; Align-GVGD: "Class C0"). This variant has not been reported in the literature in individuals affected with AMPD1-related conditions. This variant is present in population databases (rs373484604, gnomAD 0.04%). This sequence change replaces isoleucine, which is neutral and non-polar, with valine, which is neutral and non-polar, at codon 337 of the AMPD1 protein (p.Ile337Val).

Ambry Genetics
Classification: Uncertain significance for Inborn genetic diseases. Last evaluated: 2022-04-15. Review status: criteria provided, single submitter. Criteria: Ambry Variant Classification Scheme 2023. Collection method: clinical testing. Allele origin: germline.